The following is an entry in ClinVar:

ClinVar aggregate classification (germline): Uncertain significance (1 of 4 stars; one submission).

Conditions:
Centromeric instability of chromosomes 1,9 and 16 and immunodeficiency (ICF1). Also called: Immunodeficiency-centromeric instability-facial anomalies; CENTROMERIC INSTABILITY, IMMUNODEFICIENCY SYNDROME; IMMUNE DEFICIENCY, VARIABLE, WITH CENTROMERIC INSTABILITY OF CHROMOSOMES 1, 9, AND 16; IMMUNODEFICIENCY SYNDROME, VARIABLE. Identifiers: Orphanet 2268, MedGen C0398788, MONDO:0000133.

Allele frequency attached by ClinVar (database versions not stated): ExAC 0.00001; gnomAD exomes 0.00001; TOPMed 0.00003; gnomAD 0.00005 and 0.00006.

Submission:

Labcorp Genetics (formerly Invitae), Labcorp
Classification: Uncertain significance for Centromeric instability of chromosomes 1,9 and 16 and immunodeficiency. Last evaluated: 2022-08-20. Review status: criteria provided, single submitter. Criteria: Invitae Variant Classification Sherloc (09022015). Collection method: clinical testing. Allele origin: germline.
Comment: This sequence change replaces arginine, which is basic and polar, with tryptophan, which is neutral and slightly polar, at codon 114 of the DNMT3B protein (p.Arg114Trp). This variant is present in population databases (rs749197342, gnomAD 0.006%). This variant has not been reported in the literature in individuals affected with DNMT3B-related conditions. ClinVar contains an entry for this variant (Variation ID: 947192). Algorithms developed to predict the effect of missense changes on protein structure and function output the following: SIFT: "Deleterious"; PolyPhen-2: "Benign"; Align-GVGD: "Class C0". The tryptophan amino acid residue is found in multiple mammalian species, which suggests that this missense change does not adversely affect protein function. In summary, the available evidence is currently insufficient to determine the role of this variant in disease. Therefore, it has been classified as a Variant of Uncertain Significance.

NM_006892.4(DNMT3B):c.340C>T (p.Arg114Trp)

Gene: DNMT3B (DNA methyltransferase 3 beta; plus strand). Cytogenetic location: 20q11.21.
Variant type: single nucleotide variant.
Coding change: c.340C>T on transcript NM_006892.4 (MANE Select); coding-DNA position 340, C replaced by T.
Protein change: p.Arg114Trp; replaces arginine 114 with tryptophan.
Molecular consequence: missense variant. On other transcripts: intron variant (2).
Genome position (GRCh38, 1-based): chr20:32,786,535, C>T. VCF-style: chr20-32786535-C-T. GRCh37 (hg19) VCF-style: chr20-31374341-C-T.
Other names: c.340C>T, p.Arg114Trp (NM_175848.2, NM_175849.2); c.376C>T, p.Arg126Trp (NM_175850.3); c.307-695C>T (NM_001207055.2); c.205-695C>T (NM_001207056.2); short protein forms R114W, R126W.
Identifiers: ClinVar variation 947192 (VCV000947192.7), dbSNP rs749197342, ClinGen allele CA9810155.